The following is an entry in ClinVar:

NM_001370259.2(MEN1):c.1648G>T (p.Val550Leu)

Gene: MEN1 (menin 1; minus strand). Cytogenetic location: 11q13.1.
Variant type: single nucleotide variant.
Coding change: c.1648G>T on transcript NM_001370259.2 (MANE Select); coding-DNA position 1648, G replaced by T.
Protein change: p.Val550Leu; replaces valine 550 with leucine.
Molecular consequence: missense variant.
Genome position (GRCh38, 1-based): chr11:64,804,519, C>A on the plus strand (G>T on the coding strand, the complement: MEN1 is on the minus strand). VCF-style: chr11-64804519-C-A. GRCh37 (hg19) VCF-style: chr11-64571991-C-A.
Other names: c.1663G>T, p.Val555Leu (NM_000244.4, NM_130800.3, NM_130801.3 and 3 more transcripts); c.1774G>T, p.Val592Leu (NM_001370251.2); c.1648G>T, p.Val550Leu (NM_001370260.2, NM_001370261.2, NM_130799.3); c.1543G>T, p.Val515Leu (NM_001370262.2, NM_001370263.2); short protein forms V555L, V592L, V550L, V515L.
Identifiers: ClinVar variation 959531 (VCV000959531.14), dbSNP rs562257963, ClinGen allele CA060885.

ClinVar aggregate classification (germline): Conflicting classifications of pathogenicity. Review status: criteria provided, conflicting classifications (1 of 4 stars). 4 submissions from 4 submitters: Uncertain significance (3); Benign (1). Last evaluated 2025-12-10.

Conditions:
Multiple endocrine neoplasia, type 1 (MEN1). Also called: MEN I; WERMER SYNDROME; Endocrine adenomatosis multiple; MEN 1; MEA I. Identifiers: Orphanet 652, MedGen C0025267, MeSH D018761, MONDO:0007540, OMIM 131100.
Hereditary cancer-predisposing syndrome. Also called: Hereditary neoplastic syndrome; Tumor predisposition; Neoplastic Syndromes, Hereditary; Hereditary Cancer Syndrome. Identifiers: Orphanet 140162, MedGen C0027672, MeSH D009386, MONDO:0015356.

Allele frequency attached by ClinVar (database versions not stated): gnomAD below 0.00001 and 0.00001; 1000 Genomes Project 30x 0.00016; 1000 Genomes Project 0.00020.
gnomAD v4.1: 16 of 1,614,114 alleles (0.00099%); highest among the groups gnomAD compares: South Asian, 0.014%; no homozygotes.

Submissions (4):

Labcorp Genetics (formerly Invitae), Labcorp
Classification: Benign for Multiple endocrine neoplasia, type 1. Last evaluated: 2025-12-10. Review status: criteria provided, single submitter. Criteria: Invitae Variant Classification Sherloc (09022015). Collection method: clinical testing. Allele origin: germline.

Ambry Genetics
Classification: Uncertain significance for Hereditary cancer-predisposing syndrome. Last evaluated: 2025-02-16. Review status: criteria provided, single submitter. Criteria: Ambry Variant Classification Scheme 2023. Collection method: clinical testing. Allele origin: germline.
Comment: The p.V550L variant (also known as c.1648G>T), located in coding exon 9 of the MEN1 gene, results from a G to T substitution at nucleotide position 1648. The valine at codon 550 is replaced by leucine, an amino acid with highly similar properties. This alteration has been reported in an individual referred for MEN1 testing, who was also identified to carry an MEN1 frameshift mutation (Tham E et al. J Clin Endocrinol Metab, 2007 Sep;92:3389-95). This amino acid position is highly conserved in available vertebrate species. In addition, this alteration is predicted to be deleterious by in silico analysis. Since supporting evidence is limited at this time, the clinical significance of this alteration remains unclear.

All of Us Research Program, National Institutes of Health
Classification: Uncertain significance for Multiple endocrine neoplasia, type 1. Last evaluated: 2023-07-10. Review status: criteria provided, single submitter. Criteria: ACMG Guidelines, 2015. Collection method: clinical testing. Allele origin: germline. Inheritance: Autosomal dominant inheritance. Observed: 1 variant allele, 1 heterozygote.
Comment: This missense variant replaces valine with leucine at codon 550 of the MEN1 protein. Computational prediction suggests that this variant may have deleterious impact on protein structure and function (internally defined REVEL score threshold >= 0.7, PMID: 27666373). To our knowledge, functional studies have not been reported for this variant. This variant has been reported in an individual with MEN1 associated tumors and/or family history of MEN1, who also has an unspecified frameshift variant in MEN1 (PMID: 17623761). This variant has been identified in 1/251334 chromosomes in the general population by the Genome Aggregation Database (gnomAD). The available evidence is insufficient to determine the role of this variant in disease conclusively. Therefore, this variant is classified as a Variant of Uncertain Significance.

This study involves interpretation of variants in research participants for the purpose of population health screening. Participant phenotype was not available at the time of variant classification. Additional details can be found in publication PMID: 35346344, PMCID: PMC8962531

Baylor Genetics
Classification: Uncertain significance for Multiple Endocrine Neoplasia Type 1. Last evaluated: 2023-06-21. Review status: criteria provided, single submitter. Criteria: ACMG Guidelines, 2015. Collection method: clinical testing. Allele origin: unknown.

Literature cited by the submitters: PubMed 17623761 (cited by Ambry Genetics and All of Us Research Program, National Institutes of Health).